The following is an entry in ClinVar:

NM_177438.3(DICER1):c.3179G>T (p.Arg1060Leu)

Gene: DICER1 (dicer 1, ribonuclease III; minus strand). Cytogenetic location: 14q32.13.
Variant type: single nucleotide variant.
Coding change: c.3179G>T on transcript NM_177438.3 (MANE Select); coding-DNA position 3179, G replaced by T.
Protein change: p.Arg1060Leu; replaces arginine 1060 with leucine.
Molecular consequence: missense variant.
Genome position (GRCh38, 1-based): chr14:95,105,161, C>A on the plus strand (G>T on the coding strand, the complement: DICER1 is on the minus strand). VCF-style: chr14-95105161-C-A. GRCh37 (hg19) VCF-style: chr14-95571498-C-A.
Other names: NM_177438.3(DICER1):c.3179G>T; p.Arg1060Leu; c.3179G>T, p.Arg1060Leu (NM_001195573.1, NM_001271282.3, NM_001291628.2 and 1 more transcripts); short protein forms R1060L.
Identifiers: ClinVar variation 567415 (VCV000567415.6), dbSNP rs1566771488, ClinGen allele CA390876631.

ClinVar aggregate classification (germline): Uncertain significance. Review status: reviewed by expert panel (3 of 4 stars). 2 submissions from 2 submitters: Uncertain significance (1). 1 of the submissions does not count toward it. Last evaluated 2026-06-23.

Conditions:
DICER1-related tumor predisposition. Also called: DICER1-related pleuropulmonary blastoma cancer predisposition syndrome; DICER1 syndrome. Identifiers: Orphanet 284343, MedGen C3839822, MONDO:0100216.

Submissions (2):

ClinGen DICER1 and miRNA-Processing Gene Variant Curation Expert Panel, ClinGen
Classification: Uncertain significance for DICER1-related tumor predisposition. Last evaluated: 2026-06-23. Review status: reviewed by expert panel. Criteria: ClinGen DICER1 ACMG Specifications DICER1 V1.4.0. Collection method: curation. Allele origin: germline. Inheritance: Autosomal dominant inheritance.
Comment: The NM_177438.3:c.3179G>T variant in DICER1 is a missense variant predicted to replace arginine with leucine at codon 1060 (p.Arg1060Leu). Although this variant has been observed in an individual undergoing genetic sequencing, to our knowledge, this variant has not been reported in individuals with DICER1-related tumor predisposition (PS4 not met; Internal lab contributor). This variant is absent from gnomAD v4.1.1 (PM2_Supporting). The computational predictor REVEL gives a score of 0.717, which is neither above nor below the thresholds predicting a damaging or benign impact on DICER1 function; splice predictors MaxEntScan and SpliceAI indicate no impact on splicing (PP3 and BP4 not met). In summary, this variant meets the criteria to be classified as Uncertain Significance for DICER1-related tumor predisposition based on the ACMG/AMP criteria applied, as specified by the ClinGen DICER1 VCEP: PM2_Supporting. (Bayesian Points: 1; VCEP specifications version 1.4.0; 06/23/2026)

Labcorp Genetics (formerly Invitae), Labcorp
Classification: Uncertain significance for DICER1-related tumor predisposition. Last evaluated: 2021-08-28. Review status: criteria provided, single submitter. Criteria: Invitae Variant Classification Sherloc (09022015). Collection method: clinical testing. Allele origin: germline. Not counted in ClinVar's aggregate classification.